The following is an entry in ClinVar:

ClinVar aggregate classification (germline): Uncertain significance. Review status: criteria provided, multiple submitters, no conflicts (2 of 4 stars). 2 submissions from 2 submitters: Uncertain significance (2). Last evaluated 2024-12-09.

Conditions:
Hereditary cancer-predisposing syndrome. Also called: Hereditary Cancer Syndrome; Neoplastic Syndromes, Hereditary; Tumor predisposition; Hereditary neoplastic syndrome. Identifiers: Orphanet 140162, MedGen C0027672, MeSH D009386, MONDO:0015356.

Submissions (2):

Ambry Genetics
Classification: Uncertain significance for Hereditary cancer-predisposing syndrome. Last evaluated: 2024-12-09. Review status: criteria provided, single submitter. Criteria: Ambry Variant Classification Scheme 2023. Collection method: clinical testing. Allele origin: germline.
Comment: The p.P246T variant (also known as c.736C>A), located in coding exon 8 of the NF2 gene, results from a C to A substitution at nucleotide position 736. The proline at codon 246 is replaced by threonine, an amino acid with highly similar properties. This amino acid position is conserved. In addition, the in silico prediction for this alteration is inconclusive. Based on the available evidence, the clinical significance of this variant remains unclear.

Blueprint Genetics
Classification: Uncertain significance. Last evaluated: 2020-07-09. Review status: criteria provided, single submitter. Criteria: ACMG Guidelines, 2015. Collection method: clinical testing. Allele origin: germline.

NM_000268.4(NF2):c.736C>A (p.Pro246Thr)

Gene: NF2 (NF2, moesin-ezrin-radixin like (MERLIN) tumor suppressor; plus strand). Cytogenetic location: 22q12.2.
Variant type: single nucleotide variant.
Coding change: c.736C>A on transcript NM_000268.4 (MANE Select); coding-DNA position 736, C replaced by A.
Protein change: p.Pro246Thr; replaces proline 246 with threonine.
Molecular consequence: missense variant. On other transcripts: non-coding transcript variant (1), intron variant (4).
Genome position (GRCh38, 1-based): chr22:29,661,265, C>A. VCF-style: chr22-29661265-C-A. GRCh37 (hg19) VCF-style: chr22-30057254-C-A.
Other names: c.622C>A, p.Pro208Thr (NM_001407053.1, NM_001407056.1); c.613C>A, p.Pro205Thr (NM_001407054.1, NM_001407058.1, NM_181829.3); c.610C>A, p.Pro204Thr (NM_001407055.1, NM_181828.3); c.736C>A, p.Pro246Thr (NM_001407060.1, NM_001407066.1, NM_016418.5 and 2 more transcripts); c.487C>A, p.Pro163Thr (NM_001407063.1, NM_001407064.1, NM_181830.3 and 1 more transcripts); c.202C>A, p.Pro68Thr (NM_001407065.1); c.505C>A, p.Pro169Thr (NM_001407067.1); c.675+3001C>A (NM_001407059.1, NM_001407057.1); and 2 more; short protein forms P204T, P246T, P163T, P169T, P205T, P68T, P208T.
Identifiers: ClinVar variation 3404959 (VCV003404959.2).
Genomic context (GRCh38, chr22:29,661,265, plus strand): 5'-AATAAAAAGGGCACAGAGCTGCTGCTTGGAGTGGATGCCCTGGGGCTTCACATTTATGAC[C>A]CTGAGAACAGACTGACCCCCAAGATCTCCTTCCCGTGGAATGAAATCCGAAACATCTCGT-3'
Protein context (NP_000259.1, residues 236-256): VDALGLHIYD[Pro246Thr]ENRLTPKISF